The following is an entry in ClinVar:

NM_177559.3(CSNK2A1):c.479A>G (p.His160Arg)

Gene: CSNK2A1 (casein kinase 2 alpha 1; minus strand). Cytogenetic location: 20p13.
Variant type: single nucleotide variant.
Coding change: c.479A>G on transcript NM_177559.3 (MANE Select); coding-DNA position 479, A replaced by G.
Protein change: p.His160Arg; replaces histidine 160 with arginine.
Molecular consequence: missense variant.
Genome position (GRCh38, 1-based): chr20:495,750, T>C on the plus strand (A>G on the coding strand, the complement: CSNK2A1 is on the minus strand). VCF-style: chr20-495750-T-C. GRCh37 (hg19) VCF-style: chr20-476394-T-C.
Other names: p.His160Arg; c.479A>G, p.His160Arg (NM_001362770.2, NM_001362771.2, NM_001895.4); c.71A>G, p.His24Arg (NM_177560.3); short protein forms H160R, H24R.
Identifiers: ClinVar variation 975528 (VCV000975528.8), dbSNP rs2018334830, ClinGen allele CA407933017.
Genomic context (GRCh38, chr20:495,750, plus strand): 5'-AAATAACACTTGTCAGCCTATCACTTTACCTTTCTGTGCTCATGATCAATCATGACATTA[T>C]GGGGCTTGACATCTCTGTGCATAATTCCCATGCTGTGACAATAATCCAGGGCCTGTGGGA-3'
Protein context (NP_808227.1, residues 150-170): MGIMHRDVKP[His160Arg]NVMIDHEHRK

ClinVar aggregate classification (germline): Pathogenic/Likely pathogenic. Review status: criteria provided, multiple submitters, no conflicts (2 of 4 stars). 5 submissions from 5 submitters: Pathogenic (3); Likely pathogenic (1). 1 of the submissions does not count toward it. Last evaluated 2024-12-11.

Conditions:
CSNK2A1-related disorder. Also called: CSNK2A1-related condition; CSNK2A1- Related Disorders.
Okur-Chung neurodevelopmental syndrome (OCNDS). Identifiers: Orphanet 689422, MedGen C4310739, MONDO:0014893, OMIM 617062.

Submissions (5):

GeneDx
Classification: Pathogenic. Last evaluated: 2024-12-11. Review status: criteria provided, single submitter. Criteria: GeneDx Variant Classification Process June 2021. Collection method: clinical testing. Allele origin: germline. Affected: yes.
Comment: Not observed at significant frequency in large population cohorts (gnomAD); In silico analysis supports that this missense variant has a deleterious effect on protein structure/function; This variant is associated with the following publications: (PMID: 38357263, 32651551, 38444259, 36310603, 34038195)

Blueprint Genetics
Classification: Pathogenic for CSNK2A1-related disorders. Last evaluated: 2023-11-30. Review status: criteria provided, single submitter. Criteria: ACMG Guidelines, 2015. Collection method: clinical testing. Allele origin: de novo. Affected: yes. Observed: 2 variant alleles.

Molecular Genetics and NGS Laboratory, Hospital Fundacion Valle Del Lili
Classification: Likely pathogenic for Okur-Chung neurodevelopmental syndrome. Last evaluated: 2023-11-16. Review status: criteria provided, single submitter. Criteria: ACMG Guidelines, 2015. Collection method: clinical testing. Allele origin: germline. Affected: yes. Observed: 1 variant allele.
Comment: The variant in affected individuals is heterozygous. In summary, the variant meets our criteria to be classified as likely pathogenic.

Laboratoire de Génétique Moléculaire, CHU Bordeaux
Classification: Pathogenic. Review status: criteria provided, single submitter. Criteria: ACMG Guidelines, 2015. Collection method: clinical testing. Allele origin: germline. Affected: yes.

Centre de Biologie Pathologie Génétique, Centre Hospitalier Universitaire de Lille
Classification: Likely pathogenic for Okur-chung neurodevelopmental syndrome. Last evaluated: 2019-01-01. Review status: no assertion criteria provided. Collection method: clinical testing. Allele origin: unknown. Affected: yes. Not counted in ClinVar's aggregate classification.